The following is an entry in ClinVar:

NM_021930.6(RINT1):c.1837C>A (p.His613Asn)

Gene: RINT1 (RAD50 interactor 1; plus strand). Cytogenetic location: 7q22.3.
Variant type: single nucleotide variant.
Coding change: c.1837C>A on transcript NM_021930.6 (MANE Select); coding-DNA position 1837, C replaced by A.
Protein change: p.His613Asn; replaces histidine 613 with asparagine.
Molecular consequence: missense variant. On other transcripts: non-coding transcript variant (1).
Genome position (GRCh38, 1-based): chr7:105,563,898, C>A. VCF-style: chr7-105563898-C-A. GRCh37 (hg19) VCF-style: chr7-105204345-C-A.
Other names: c.1603C>A, p.His535Asn (NM_001346599.2); c.814C>A, p.His272Asn (NM_001346600.2, NM_001346603.2); c.913C>A, p.His305Asn (NM_001346601.2); short protein forms H535N, H613N, H305N, H272N.
Identifiers: ClinVar variation 861836 (VCV000861836.13), dbSNP rs79858161, ClinGen allele CA4426777.

ClinVar aggregate classification (germline): Uncertain significance. Review status: criteria provided, multiple submitters, no conflicts (2 of 4 stars). 3 submissions from 3 submitters: Uncertain significance (3). Last evaluated 2025-06-09.

Conditions:
Infantile liver failure syndrome 3. Identifiers: MedGen C5231437, MONDO:0032844, OMIM 618641.

Allele frequency attached by ClinVar (database versions not stated): TOPMed below 0.00001.
gnomAD v4.1: 5 of 1,613,942 alleles (0.00031%); highest among the groups gnomAD compares: Admixed American, 0.0083%; no homozygotes.

Submissions (3):

Labcorp Genetics (formerly Invitae), Labcorp
Classification: Uncertain significance. Last evaluated: 2025-06-09. Review status: criteria provided, single submitter. Criteria: Invitae Variant Classification Sherloc (09022015). Collection method: clinical testing. Allele origin: germline.
Comment: This sequence change replaces histidine, which is basic and polar, with asparagine, which is neutral and polar, at codon 613 of the RINT1 protein (p.His613Asn). This variant is present in population databases (rs79858161, gnomAD 0.01%). This variant has not been reported in the literature in individuals affected with RINT1-related conditions. ClinVar contains an entry for this variant (Variation ID: 861836). An algorithm developed to predict the effect of missense changes on protein structure and function (PolyPhen-2) suggests that this variant is likely to be disruptive. In summary, the available evidence is currently insufficient to determine the role of this variant in disease. Therefore, it has been classified as a Variant of Uncertain Significance.

Fulgent Genetics
Classification: Uncertain significance for Infantile liver failure syndrome 3. Last evaluated: 2024-03-07. Review status: criteria provided, single submitter. Criteria: ACMG Guidelines, 2015. Collection method: clinical testing. Allele origin: germline.

Ambry Genetics
Classification: Uncertain significance. Last evaluated: 2022-08-10. Review status: criteria provided, single submitter. Criteria: Ambry Variant Classification Scheme 2023. Collection method: clinical testing. Allele origin: germline.
Comment: The p.H613N variant (also known as c.1837C>A), located in coding exon 12 of the RINT1 gene, results from a C to A substitution at nucleotide position 1837. The histidine at codon 613 is replaced by asparagine, an amino acid with similar properties. This amino acid position is conserved. In addition, this alteration is predicted to be tolerated by in silico analysis. Since supporting evidence is limited at this time, the clinical significance of this alteration remains unclear.